The following is an entry in ClinVar:

NM_001367834.3(ZSWIM4):c.2532C>T (p.Ile844=)

Gene: ZSWIM4 (zinc finger SWIM-type containing 4; plus strand). Cytogenetic location: 19p13.12.
Variant type: single nucleotide variant.
Coding change: c.2532C>T on transcript NM_001367834.3 (MANE Select); coding-DNA position 2532, C replaced by T.
Protein change: p.Ile844=; no amino-acid change (isoleucine 844 retained).
Molecular consequence: synonymous variant.
Genome position (GRCh38, 1-based): chr19:13,830,261, C>T. VCF-style: chr19-13830261-C-T. GRCh37 (hg19) VCF-style: chr19-13941075-C-T.
Other names: c.2181C>T, p.Ile727= (NM_023072.3).
Identifiers: ClinVar variation 2649399 (VCV002649399.24), dbSNP rs112261548, ClinGen allele CA9243001.
Genomic context (GRCh38, chr19:13,830,261, plus strand): 5'-CCTGATGAATATCATGCAGAACTGGTATTCCTTATTCACACCAGTGGAGGCGGCTACCAT[C>T]GTGGCAGTGACGGGCACCACACACGCCACTCTGCTGCGACTGCAGCTGGACACATCGCGG-3'
Protein context (NP_001354763.1, residues 834-854): SLFTPVEAAT[Ile844=]VAVTGTTHAT

ClinVar aggregate classification (germline): Likely benign (1 of 4 stars; one submission).

Allele frequency attached by ClinVar (database versions not stated): 1000 Genomes Project 30x 0.00078; 1000 Genomes Project 0.00100; TOPMed 0.00149; ESP Exome Variant Server 0.00154; gnomAD 0.00157; ExAC 0.00246.
gnomAD v4.1: 3,558 of 1,613,970 alleles (0.22%); highest among the groups gnomAD compares: Non-Finnish European, 0.26%; 14 homozygotes.

Submission:

CeGaT Center for Human Genetics Tuebingen
Classification: Likely benign. Last evaluated: 2023-01-01. Review status: criteria provided, single submitter. Criteria: CeGaT Center For Human Genetics Tuebingen Variant Classification Criteria Version 2. Collection method: clinical testing. Allele origin: germline. Affected: yes. Observed: 1 variant allele.
Comment: ZSWIM4: BP4, BP7, BS2